The following is an entry in ClinVar:

NM_000426.4(LAMA2):c.6977A>G (p.Lys2326Arg)

Gene: LAMA2 (laminin subunit alpha 2; plus strand). Cytogenetic location: 6q22.33.
Variant type: single nucleotide variant.
Coding change: c.6977A>G on transcript NM_000426.4 (MANE Select); coding-DNA position 6977, A replaced by G.
Protein change: p.Lys2326Arg; replaces lysine 2326 with arginine.
Molecular consequence: missense variant.
Genome position (GRCh38, 1-based): chr6:129,460,309, A>G. VCF-style: chr6-129460309-A-G. GRCh37 (hg19) VCF-style: chr6-129781454-A-G.
Other names: c.6977A>G, p.Lys2326Arg (NM_001079823.2); short protein forms K2326R.
Identifiers: ClinVar variation 1208787 (VCV001208787.3), dbSNP rs1783185621, ClinGen allele CA365619424.

ClinVar aggregate classification (germline): Uncertain significance (1 of 4 stars; one submission).

Allele frequency attached by ClinVar (database versions not stated): gnomAD exomes below 0.00001.
gnomAD v4.1: 4 of 1,612,244 alleles (0.00025%); highest among the groups gnomAD compares: Non-Finnish European, 0.00034%; no homozygotes.

Submission:

GeneDx
Classification: Uncertain significance. Last evaluated: 2019-08-15. Review status: criteria provided, single submitter. Criteria: GeneDx Variant Classification Process June 2021. Collection method: clinical testing. Allele origin: germline. Affected: yes.
Comment: Not observed in large population cohorts (Lek et al., 2016); In silico analysis, which includes protein predictors and evolutionary conservation, supports that this variant does not alter protein structure/function; Has not been previously published as pathogenic or benign to our knowledge